The following is an entry in ClinVar:

NM_001845.6(COL4A1):c.4900G>A (p.Ala1634Thr)

Gene: COL4A1 (collagen type IV alpha 1 chain; minus strand). Cytogenetic location: 13q34.
Variant type: single nucleotide variant.
Coding change: c.4900G>A on transcript NM_001845.6 (MANE Select); coding-DNA position 4900, G replaced by A.
Protein change: p.Ala1634Thr; replaces alanine 1634 with threonine.
Molecular consequence: missense variant.
Genome position (GRCh38, 1-based): chr13:110,152,362, C>T on the plus strand (G>A on the coding strand, the complement: COL4A1 is on the minus strand). VCF-style: chr13-110152362-C-T. GRCh37 (hg19) VCF-style: chr13-110804709-C-T.
Other names: short protein forms A1634T.
Identifiers: ClinVar variation 1936318 (VCV001936318.6), dbSNP rs149495996, ClinGen allele CA7046774.
Genomic context (GRCh38, chr13:110,152,362, plus strand): 5'-GCAGCCTGCAAAAAAGCAGTGCTCCCACTTACTTGAACATCTCGCTCCTCTCTATGGTGG[C>T]GAGCCAAAAGCTGTAAGCGTTTGCGTAGTAATTGCAGGTCCCACGGCCGTGACACTCGAT-3'
Protein context (NP_001836.3, residues 1624-1644): YYANAYSFWL[Ala1634Thr]TIERSEMFKK

ClinVar aggregate classification (germline): Uncertain significance. Review status: criteria provided, multiple submitters, no conflicts (2 of 4 stars). 2 submissions from 2 submitters: Uncertain significance (2). Last evaluated 2024-04-04.

Conditions:
Autosomal dominant familial hematuria-retinal arteriolar tortuosity-contractures syndrome. Also called: Angiopathy, hereditary, with nephropathy, aneurysms, and muscle cramps; Hereditary Angiopathy with Nephropathy, Aneurysms, and Muscle Cramps (HANAC) Syndrome. Identifiers: Orphanet 73229, MedGen C2673195, MONDO:0012726, OMIM 611773.
Retinal arterial tortuosity. Also called: RETINAL HEMORRHAGE WITH VASCULAR TORTUOSITY; Retinal arteries, tortuosity of. Identifiers: Orphanet 75326, MedGen C0423401, MONDO:0008373, OMIM 180000, HP:0000631.
Microangiopathy and leukoencephalopathy, pontine, autosomal dominant. Also called: DEMENTIA, HEREDITARY MULTI-INFARCT, SWEDISH TYPE; Pontine autosomal dominant microangiopathy with leukoencephalopathy. Identifiers: Orphanet 477749, MedGen C5231411, MONDO:0032814, OMIM 618564.
Brain small vessel disease 1 with or without ocular anomalies (BSVD1). Also called: GOULD SYNDROME 1; BRAIN SMALL VESSEL DISEASE WITH HEMORRHAGE; Brain small vessel disease with or without ocular anomalies; PORENCEPHALY, TYPE 1, AUTOSOMAL DOMINANT. Identifiers: Orphanet 2940, Orphanet 36383, Orphanet 99810, MedGen C4755307, MONDO:0008289, OMIM 175780.
Hemorrhage, intracerebral, susceptibility to (ICH). Also called: Stroke, hemorrhagic, susceptibility to. Identifiers: MedGen C3281105, MONDO:0100533, OMIM 614519.

Allele frequency attached by ClinVar (database versions not stated): gnomAD exomes below 0.00001; TOPMed 0.00001; ExAC 0.00002; gnomAD 0.00002; 1000 Genomes Project 30x 0.00016; 1000 Genomes Project 0.00020.
gnomAD v4.1: 11 of 1,614,128 alleles (0.00068%); highest among the groups gnomAD compares: African/African-American, 0.0013%; no homozygotes.

Submissions (2):

Fulgent Genetics
Classification: Uncertain significance for Brain small vessel disease 1 with or without ocular anomalies; Retinal arterial tortuosity; Autosomal dominant familial hematuria-retinal arteriolar tortuosity-contractures syndrome; Hemorrhage, intracerebral, susceptibility to; Microangiopathy and leukoencephalopathy, pontine, autosomal dominant. Last evaluated: 2024-04-04. Review status: criteria provided, single submitter. Criteria: ACMG Guidelines, 2015. Collection method: clinical testing. Allele origin: germline.

Labcorp Genetics (formerly Invitae), Labcorp
Classification: Uncertain significance. Last evaluated: 2022-08-23. Review status: criteria provided, single submitter. Criteria: Invitae Variant Classification Sherloc (09022015). Collection method: clinical testing. Allele origin: germline.
Comment: In summary, the available evidence is currently insufficient to determine the role of this variant in disease. Therefore, it has been classified as a Variant of Uncertain Significance. Advanced modeling of protein sequence and biophysical properties (such as structural, functional, and spatial information, amino acid conservation, physicochemical variation, residue mobility, and thermodynamic stability) performed at Invitae indicates that this missense variant is not expected to disrupt COL4A1 protein function. This variant has not been reported in the literature in individuals affected with COL4A1-related conditions. This variant is present in population databases (rs149495996, gnomAD 0.007%). This sequence change replaces alanine, which is neutral and non-polar, with threonine, which is neutral and polar, at codon 1634 of the COL4A1 protein (p.Ala1634Thr).